The following is an entry in ClinVar:

NM_001282933.2(ZNF341):c.2529G>T (p.Met843Ile)

Genes: ZNF341 (zinc finger protein 341; plus strand), ZNF341-AS1 (ZNF341 antisense RNA 1; minus strand). Cytogenetic location: 20q11.22.
Variant type: single nucleotide variant.
Coding change: c.2529G>T on transcript NM_001282933.2 (MANE Select); coding-DNA position 2529, G replaced by T.
Protein change: p.Met843Ile; replaces methionine 843 with isoleucine.
Molecular consequence: missense variant. On other transcripts: non-coding transcript variant (1).
Genome position (GRCh38, 1-based): chr20:33,791,481, G>T. VCF-style: chr20-33791481-G-T. GRCh37 (hg19) VCF-style: chr20-32379287-G-T.
Other names: c.2259G>T, p.Met753Ile (NM_001282935.2); c.2508G>T, p.Met836Ile (NM_032819.5); short protein forms M836I, M843I, M753I.
Identifiers: ClinVar variation 1910334 (VCV001910334.4), dbSNP rs1476450442, ClinGen allele CA408643004.

ClinVar aggregate classification (germline): Uncertain significance (1 of 4 stars; one submission).

Allele frequency attached by ClinVar (database versions not stated): gnomAD exomes below 0.00001; TOPMed below 0.00001; gnomAD 0.00001.
gnomAD v4.1: 4 of 1,588,218 alleles (0.00025%); highest among the groups gnomAD compares: Non-Finnish European, 0.00034%; no homozygotes.

Submission:

Labcorp Genetics (formerly Invitae), Labcorp
Classification: Uncertain significance. Last evaluated: 2022-06-24. Review status: criteria provided, single submitter. Criteria: Invitae Variant Classification Sherloc (09022015). Collection method: clinical testing. Allele origin: germline.
Comment: This sequence change replaces methionine, which is neutral and non-polar, with isoleucine, which is neutral and non-polar, at codon 836 of the ZNF341 protein (p.Met836Ile). This variant is present in population databases (no rsID available, gnomAD 0.007%). This variant has not been reported in the literature in individuals affected with ZNF341-related conditions. Algorithms developed to predict the effect of missense changes on protein structure and function are either unavailable or do not agree on the potential impact of this missense change (SIFT: "Deleterious"; PolyPhen-2: "Probably Damaging"; Align-GVGD: "Class C0"). In summary, the available evidence is currently insufficient to determine the role of this variant in disease. Therefore, it has been classified as a Variant of Uncertain Significance.